The following is an entry in ClinVar:

NM_001364905.1(LRBA):c.5102C>G (p.Pro1701Arg)

Gene: LRBA (LPS responsive beige-like anchor protein; minus strand). Cytogenetic location: 4q31.3.
Variant type: single nucleotide variant.
Coding change: c.5102C>G on transcript NM_001364905.1 (MANE Select); coding-DNA position 5102, C replaced by G.
Protein change: p.Pro1701Arg; replaces proline 1701 with arginine.
Molecular consequence: missense variant.
Genome position (GRCh38, 1-based): chr4:150,828,249, G>C on the plus strand (C>G on the coding strand, the complement: LRBA is on the minus strand). VCF-style: chr4-150828249-G-C. GRCh37 (hg19) VCF-style: chr4-151749401-G-C.
Other names: c.5102C>G, p.Pro1701Arg (NM_001199282.3, NM_001367550.1, NM_006726.5); short protein forms P1701R.
Identifiers: ClinVar variation 1963391 (VCV001963391.5), dbSNP rs762799564, ClinGen allele CA3102579.

ClinVar aggregate classification (germline): Uncertain significance (1 of 4 stars; one submission).

Conditions:
Combined immunodeficiency due to LRBA deficiency. Also called: Common variable immunodeficiency 8, with autoimmunity. Identifiers: Orphanet 445018, MedGen C3553512, MONDO:0013863, OMIM 614700.

Allele frequency attached by ClinVar (database versions not stated): ExAC 0.00004.
gnomAD v4.1: 10 of 1,614,138 alleles (0.00062%); highest among the groups gnomAD compares: Non-Finnish European, 0.00085%; no homozygotes.

Submission:

Labcorp Genetics (formerly Invitae), Labcorp
Classification: Uncertain significance for Combined immunodeficiency due to LRBA deficiency. Last evaluated: 2022-03-26. Review status: criteria provided, single submitter. Criteria: Invitae Variant Classification Sherloc (09022015). Collection method: clinical testing. Allele origin: germline.
Comment: In summary, the available evidence is currently insufficient to determine the role of this variant in disease. Therefore, it has been classified as a Variant of Uncertain Significance. Algorithms developed to predict the effect of missense changes on protein structure and function (SIFT, PolyPhen-2, Align-GVGD) all suggest that this variant is likely to be tolerated. This variant has not been reported in the literature in individuals affected with LRBA-related conditions. This variant is present in population databases (rs762799564, gnomAD 0.005%). This sequence change replaces proline, which is neutral and non-polar, with arginine, which is basic and polar, at codon 1701 of the LRBA protein (p.Pro1701Arg).